The following is an entry in ClinVar:

NM_001184880.2(PCDH19):c.596A>G (p.Glu199Gly)

Gene: PCDH19 (protocadherin 19; minus strand). Cytogenetic location: Xq22.1.
Variant type: single nucleotide variant.
Coding change: c.596A>G on transcript NM_001184880.2 (MANE Select); coding-DNA position 596, A replaced by G.
Protein change: p.Glu199Gly; replaces glutamic acid 199 with glycine.
Molecular consequence: missense variant.
Genome position (GRCh38, 1-based): chrX:100,408,002, T>C on the plus strand (A>G on the coding strand, the complement: PCDH19 is on the minus strand). VCF-style: chrX-100408002-T-C. GRCh37 (hg19) VCF-style: chrX-99663000-T-C.
Other names: c.596A>G, p.Glu199Gly (NM_001105243.2, NM_020766.3); short protein forms E199G.
Identifiers: ClinVar variation 1704081 (VCV001704081.2), dbSNP rs2520992412, ClinGen allele CA414009125.
Genomic context (GRCh38, chrX:100,408,002, plus strand): 5'-AGGCGCGGCGGGTCGCCACCGTCTAGCGCAGTGATTCGGAAGCTGTAGTGCGACTGCGTC[T>C]CGCGGTCCAGGCTCTTTTCCACCACGAGTTCGGCAAAGCGGGAGCCGTCGCCGCGCGTCT-3'
Protein context (NP_001171809.1, residues 189-209): ELVVEKSLDR[Glu199Gly]TQSHYSFRIT

ClinVar aggregate classification (germline): Uncertain significance (1 of 4 stars; one submission).

Submission:

GeneDx
Classification: Uncertain significance. Last evaluated: 2022-03-02. Review status: criteria provided, single submitter. Criteria: GeneDx Variant Classification Process June 2021. Collection method: clinical testing. Allele origin: germline. Affected: yes.
Comment: Not observed at significant frequency in large population cohorts (gnomAD); Missense variants in this gene are often considered pathogenic (HGMD); In silico analysis supports that this missense variant has a deleterious effect on protein structure/function; Has not been previously published as pathogenic or benign to our knowledge